The following is an entry in ClinVar:

NM_000260.4(MYO7A):c.152A>C (p.Gln51Pro)

Gene: MYO7A (myosin VIIA; plus strand). Cytogenetic location: 11q13.5.
Variant type: single nucleotide variant.
Coding change: c.152A>C on transcript NM_000260.4 (MANE Select); coding-DNA position 152, A replaced by C.
Protein change: p.Gln51Pro; replaces glutamine 51 with proline.
Molecular consequence: missense variant.
Genome position (GRCh38, 1-based): chr11:77,147,817, A>C. VCF-style: chr11-77147817-A-C. GRCh37 (hg19) VCF-style: chr11-76858863-A-C.
Other names: c.152A>C, p.Gln51Pro (NM_001127180.2); c.119A>C, p.Gln40Pro (NM_001369365.1); short protein forms Q40P, Q51P.
Identifiers: ClinVar variation 1064919 (VCV001064919.4), dbSNP rs375662903, ClinGen allele CA6197061.

ClinVar aggregate classification (germline): Uncertain significance. Review status: criteria provided, multiple submitters, no conflicts (2 of 4 stars). 2 submissions from 2 submitters: Uncertain significance (2). Last evaluated 2024-06-21.

Conditions:
Hearing impairment. Also called: Impaired Hearing. Identifiers: MedGen C1384666, MONDO:0005365, HP:0000365.

Allele frequency attached by ClinVar (database versions not stated): gnomAD exomes below 0.00001; ExAC 0.00001; TOPMed 0.00001; ESP Exome Variant Server 0.00008.
gnomAD v4.1: 1 of 1,610,484 alleles (0.000062%); highest among the groups gnomAD compares: Non-Finnish European, 0.000085%; no homozygotes.

Submissions (2):

Blueprint Genetics
Classification: Uncertain significance. Last evaluated: 2024-06-21. Review status: criteria provided, single submitter. Criteria: ACMG Guidelines, 2015. Collection method: clinical testing. Allele origin: germline.

Department of Otolaryngology – Head & Neck Surgery, Cochlear Implant Center
Classification: Uncertain significance for Hearing impairment. Last evaluated: 2021-04-12. Review status: criteria provided, single submitter. Criteria: ClinGen HL ACMG Specifications v1. Collection method: clinical testing. Allele origin: germline. Affected: yes.
Comment: PM2_Moderate, PP3_Supporting